The following is an entry in ClinVar:

ClinVar aggregate classification (germline): Likely pathogenic. Review status: criteria provided, multiple submitters, no conflicts (2 of 4 stars). 2 submissions from 2 submitters: Likely pathogenic (2). Last evaluated 2024-02-05.

Conditions:
Growth delay due to insulin-like growth factor I resistance. Also called: Insulin-Like Growth Factor I Resistance; Somatomedin end-organ insensitivity to; Somatomedin-c resistance to; IGF-1 resistance; IGF-I RESISTANCE. Identifiers: Orphanet 73273, MedGen C1849157, MONDO:0010038, OMIM 270450.

Submissions (2):

Institute of Human Genetics, University of Leipzig Medical Center
Classification: Likely pathogenic for Growth delay due to insulin-like growth factor I resistance. Last evaluated: 2024-02-05. Review status: criteria provided, single submitter. Criteria: ACMG Guidelines, 2015. Collection method: clinical testing. Allele origin: maternal. Inheritance: Autosomal dominant inheritance. Affected: yes.
Comment: Criteria applied: PVS1,PM2_SUP

GeneDx
Classification: Likely pathogenic. Last evaluated: 2023-12-12. Review status: criteria provided, single submitter. Criteria: GeneDx Variant Classification Process June 2021. Collection method: clinical testing. Allele origin: germline. Affected: yes.
Comment: Nonsense variant predicted to result in protein truncation or nonsense-mediated decay in a gene for which loss of function is a known mechanism of disease; Not observed at significant frequency in large population cohorts (gnomAD); Has not been previously published as pathogenic or benign to our knowledge.

NM_000875.5(IGF1R):c.1042C>T (p.Gln348Ter)

Genes: IGF1R (insulin like growth factor 1 receptor; plus strand), LOC126862245 (P300/CBP strongly-dependent group 1 enhancer GRCh37_chr15:99439536-99440735; plus strand). Cytogenetic location: 15q26.3.
Variant type: single nucleotide variant.
Coding change: c.1042C>T on transcript NM_000875.5 (MANE Select); coding-DNA position 1042, C replaced by T.
Protein change: p.Gln348Ter; replaces glutamine 348 with a stop codon.
Molecular consequence: nonsense.
Genome position (GRCh38, 1-based): chr15:98,896,845, C>T. VCF-style: chr15-98896845-C-T. GRCh37 (hg19) VCF-style: chr15-99440074-C-T.
Other names: c.1042C>T, p.Gln348Ter (NM_001291858.2); short protein forms Q348*.
Identifiers: ClinVar variation 2671741 (VCV002671741.4), dbSNP rs2014223788, ClinGen allele CA393671238.